The following is an entry in ClinVar:

NM_003919.3(SGCE):c.1253+770G>C

Genes: CASD1 (CAS1 domain sialic acid O acetyltransferase 1; plus strand), SGCE (sarcoglycan epsilon; minus strand). Cytogenetic location: 7q21.3.
Variant type: single nucleotide variant.
Coding change: c.1253+770G>C on transcript NM_003919.3 (MANE Select); 770 bases into the intron after coding-DNA position 1253, G replaced by C.
Molecular consequence: intron variant. On other transcripts: splice acceptor variant (1).
Genome position (GRCh38, 1-based): chr7:94,598,005, C>G on the plus strand (G>C on the coding strand, the complement: SGCE is on the minus strand). VCF-style: chr7-94598005-C-G. GRCh37 (hg19) VCF-style: chr7-94227317-C-G.
Other names: c.1103+770G>C (NM_001362809.2); c.1130+770G>C (NM_001301139.2); c.1226+770G>C (NM_001346717.2, NM_001099400.2); c.1254-1G>C (NM_001099401.2); c.1334+770G>C (NM_001346715.2); c.1361+770G>C (NM_001346713.2); c.1139+770G>C (NM_001362807.2); c.953+770G>C (NM_001362808.2); and 2 more.
Identifiers: ClinVar variation 3906621 (VCV003906621.1).

ClinVar aggregate classification (germline): Uncertain significance (1 of 4 stars; one submission).

Submission:

GeneDx
Classification: Uncertain significance. Last evaluated: 2024-12-17. Review status: criteria provided, single submitter. Criteria: GeneDx Variant Classification Process June 2021. Collection method: clinical testing. Allele origin: germline. Affected: yes.
Comment: Has not been previously published as pathogenic or benign to our knowledge; Reported using an alternate transcript of the gene; Canonical splice site variant in a gene transcript for which loss-of-function is not an established mechanism of disease